The following is an entry in ClinVar:

NM_001394062.1(MACF1):c.13602C>T (p.Pro4534=)

Gene: MACF1 (microtubule actin crosslinking factor 1; plus strand). Cytogenetic location: 1p34.3.
Variant type: single nucleotide variant.
Coding change: c.13602C>T on transcript NM_001394062.1 (MANE Select); coding-DNA position 13602, C replaced by T.
Protein change: p.Pro4534=; no amino-acid change (proline 4534 retained).
Molecular consequence: synonymous variant.
Genome position (GRCh38, 1-based): chr1:39,380,327, C>T. VCF-style: chr1-39380327-C-T. GRCh37 (hg19) VCF-style: chr1-39845999-C-T.
Other names: c.7416C>T, p.Pro2472= (NM_012090.5).
Identifiers: ClinVar variation 3044666 (VCV003044666.2), dbSNP rs750535518, ClinGen allele CA782096.
Genomic context (GRCh38, chr1:39,380,327, plus strand): 5'-GAATTCTCCAAAAATTCAAAAAGTAAAGGAAGCCCTGGCTGGATTACTGGTGACATATCC[C>T]AACTCACAGGAAGCAGAAAATTGGAAGAAAATTCAGGAAGAACTCAGTAAGTTTTCACAA-3'
Protein context (NP_001380991.1, residues 4524-4544): EALAGLLVTY[Pro4534=]NSQEAENWKK

ClinVar aggregate classification (germline): Likely benign (0 of 4 stars; one submission).

Conditions:
MACF1-related disorder. Also called: MACF1-related condition.

Allele frequency attached by ClinVar (database versions not stated): ExAC 0.00001; gnomAD exomes 0.00001.
gnomAD v4.1: 4 of 1,613,472 alleles (0.00025%); highest among the groups gnomAD compares: Non-Finnish European, 0.00034%; no homozygotes.

Submission:

PreventionGenetics, part of Exact Sciences
Classification: Likely benign for MACF1-related condition. Last evaluated: 2022-11-08. Review status: no assertion criteria provided. Collection method: clinical testing. Allele origin: germline.
Comment: This variant is classified as likely benign based on ACMG/AMP sequence variant interpretation guidelines (Richards et al. 2015 PMID: 25741868, with internal and published modifications).